The following is an entry in ClinVar:

ClinVar aggregate classification (germline): Uncertain significance. Review status: criteria provided, single submitter (1 of 4 stars). 2 submissions from 2 submitters: Uncertain significance (1). 1 of the submissions does not count toward it. Last evaluated 2015-01-30.

Conditions:
CCDC50-related disorder. Also called: CCDC50-related condition.

Allele frequency attached by ClinVar (database versions not stated): gnomAD 0.00001; TOPMed 0.00001.
gnomAD v4.1: 4 of 1,612,454 alleles (0.00025%); highest among the groups gnomAD compares: Admixed American, 0.0017%; no homozygotes.

Submissions (2):

Eurofins Ntd Llc (ga)
Classification: Uncertain significance. Last evaluated: 2015-01-30. Review status: criteria provided, single submitter. Criteria: EGL Classification Definitions 2015. Collection method: clinical testing. Allele origin: germline. Observed: 1 variant allele, 1 heterozygote.

PreventionGenetics, part of Exact Sciences
Classification: Likely benign for CCDC50-related condition. Last evaluated: 2019-03-04. Review status: no assertion criteria provided. Collection method: clinical testing. Allele origin: germline. Not counted in ClinVar's aggregate classification.
Comment: This variant is classified as likely benign based on ACMG/AMP sequence variant interpretation guidelines (Richards et al. 2015 PMID: 25741868, with internal and published modifications).

NM_178335.3(CCDC50):c.1430-9C>G

Gene: CCDC50 (coiled-coil domain containing 50; plus strand). Cytogenetic location: 3q28.
Variant type: single nucleotide variant.
Coding change: c.1430-9C>G on transcript NM_178335.3 (MANE Select); 9 bases into the intron before coding-DNA position 1430, C replaced by G.
Molecular consequence: intron variant.
Genome position (GRCh38, 1-based): chr3:191,391,732, C>G. VCF-style: chr3-191391732-C-G. GRCh37 (hg19) VCF-style: chr3-191109521-C-G.
Other names: c.902-9C>G (NM_174908.4); c.1430-9C>G (NM_178335.2).
Identifiers: ClinVar variation 194136 (VCV000194136.7), dbSNP rs794727079, ClinGen allele CA239973.